The following is an entry in ClinVar:

ClinVar aggregate classification (germline): Likely benign. Review status: criteria provided, multiple submitters, no conflicts (2 of 4 stars). 3 submissions from 3 submitters: Likely benign (3). Last evaluated 2026-07-01.

Conditions:
Cardiovascular phenotype. Identifiers: MedGen CN230736.
Dilated cardiomyopathy 1G (CMD1G). Identifiers: Orphanet 154, MedGen C1858763, MONDO:0011400, OMIM 604145.
Autosomal recessive limb-girdle muscular dystrophy type 2J (LGMDR10). Also called: MUSCULAR DYSTROPHY, LIMB-GIRDLE, AUTOSOMAL RECESSIVE 10; Limb-girdle muscular dystrophy, type 2J. Identifiers: Orphanet 140922, MedGen C1837342, MONDO:0012127, OMIM 608807.

Allele frequency attached by ClinVar (database versions not stated): TOPMed below 0.00001; gnomAD exomes 0.00001; ExAC 0.00003.
gnomAD v4.1: 6 of 1,612,752 alleles (0.00037%); highest among the groups gnomAD compares: Non-Finnish European, 0.00034%; no homozygotes.

Submissions (3):

CeGaT Center for Human Genetics Tuebingen
Classification: Likely benign. Last evaluated: 2026-07-01. Review status: criteria provided, single submitter. Criteria: CeGaT Center For Human Genetics Tuebingen Variant Classification Criteria Version 2. Collection method: clinical testing. Allele origin: germline. Affected: yes. Observed: 1 variant allele.
Comment: TTN: BP4, BP7

Ambry Genetics
Classification: Likely benign for Cardiovascular phenotype. Last evaluated: 2023-04-13. Review status: criteria provided, single submitter. Criteria: Ambry Variant Classification Scheme 2023. Collection method: clinical testing. Allele origin: germline.

Labcorp Genetics (formerly Invitae), Labcorp
Classification: Likely benign for Dilated cardiomyopathy 1G; Autosomal recessive limb-girdle muscular dystrophy type 2J. Last evaluated: 2022-04-12. Review status: criteria provided, single submitter. Criteria: Invitae Variant Classification Sherloc (09022015). Collection method: clinical testing. Allele origin: germline.

NM_001267550.2(TTN):c.89484A>T (p.Val29828=)

Genes: TTN (titin; minus strand), TTN-AS1 (TTN antisense RNA 1; plus strand). Cytogenetic location: 2q31.2.
Variant type: single nucleotide variant.
Coding change: c.89484A>T on transcript NM_001267550.2 (MANE Select); coding-DNA position 89484, A replaced by T.
Protein change: p.Val29828=; no amino-acid change (valine 29828 retained).
Molecular consequence: synonymous variant.
Genome position (GRCh38, 1-based): chr2:178,553,521, T>A on the plus strand (A>T on the coding strand, the complement: TTN is on the minus strand). VCF-style: chr2-178553521-T-A. GRCh37 (hg19) VCF-style: chr2-179418248-T-A.
Other names: c.84561A>T, p.Val28187= (NM_001256850.1); c.62289A>T, p.Val20763= (NM_003319.4); c.81780A>T, p.Val27260= (NM_133378.4); c.62664A>T, p.Val20888= (NM_133432.3); c.62865A>T, p.Val20955= (NM_133437.4).
Identifiers: ClinVar variation 2057064 (VCV002057064.7), dbSNP rs767972721, ClinGen allele CA1987922.